The following is an entry in ClinVar:

ClinVar aggregate classification (germline): Uncertain significance (1 of 4 stars; one submission).

Conditions:
Hereditary cancer-predisposing syndrome. Also called: Neoplastic Syndromes, Hereditary; Tumor predisposition; Hereditary Cancer Syndrome; Hereditary neoplastic syndrome. Identifiers: Orphanet 140162, MedGen C0027672, MeSH D009386, MONDO:0015356.

gnomAD v4.1: 1 of 1,614,020 alleles (0.000062%); highest among the groups gnomAD compares: Non-Finnish European, 0.000085%; no homozygotes.

Submission:

Ambry Genetics
Classification: Uncertain significance for Hereditary cancer-predisposing syndrome. Last evaluated: 2025-12-12. Review status: criteria provided, single submitter. Criteria: Ambry Variant Classification Scheme 2023. Collection method: clinical testing. Allele origin: germline.
Comment: The p.I262M variant (also known as c.786C>G), located in coding exon 7 of the FANCC gene, results from a C to G substitution at nucleotide position 786. The isoleucine at codon 262 is replaced by methionine, an amino acid with highly similar properties. This amino acid position is conserved. In addition, this alteration is predicted to be tolerated by in silico analysis. Based on the available evidence, the clinical significance of this variant remains unclear.

NM_000136.3(FANCC):c.786C>G (p.Ile262Met)

Genes: FANCC (FA complementation group C; minus strand), AOPEP (aminopeptidase O (putative); plus strand). Cytogenetic location: 9q22.32.
Variant type: single nucleotide variant.
Coding change: c.786C>G on transcript NM_000136.3 (MANE Select); coding-DNA position 786, C replaced by G.
Protein change: p.Ile262Met; replaces isoleucine 262 with methionine.
Molecular consequence: missense variant.
Genome position (GRCh38, 1-based): chr9:95,135,403, G>C on the plus strand (C>G on the coding strand, the complement: FANCC is on the minus strand). VCF-style: chr9-95135403-G-C. GRCh37 (hg19) VCF-style: chr9-97897685-G-C.
Other names: c.786C>G, p.Ile262Met (NM_001243743.2, NM_001243744.2); short protein forms I262M.
Identifiers: ClinVar variation 4641263 (VCV004641263.1).